The following is an entry in ClinVar:

ClinVar aggregate classification (germline): Uncertain significance (1 of 4 stars; one submission).

Conditions:
Fanconi anemia (FA). Also called: Fanconi's anemia. Identifiers: Orphanet 84, MedGen C0015625, MeSH D005199, MONDO:0019391.

Allele frequency attached by ClinVar (database versions not stated): TOPMed below 0.00001; gnomAD 0.00001.
gnomAD v4.1: 7 of 1,609,204 alleles (0.00043%); highest among the groups gnomAD compares: Non-Finnish European, 0.0006%; no homozygotes.

Submission:

Labcorp Genetics (formerly Invitae), Labcorp
Classification: Uncertain significance for Fanconi anemia. Last evaluated: 2021-05-17. Review status: criteria provided, single submitter. Criteria: Invitae Variant Classification Sherloc (09022015). Collection method: clinical testing. Allele origin: germline.
Comment: This sequence change replaces proline with threonine at codon 1477 of the FANCM protein (p.Pro1477Thr). The proline residue is weakly conserved and there is a small physicochemical difference between proline and threonine. This variant is not present in population databases (ExAC no frequency). This variant has not been reported in the literature in individuals with FANCM-related conditions. Algorithms developed to predict the effect of missense changes on protein structure and function (SIFT, PolyPhen-2, Align-GVGD) all suggest that this variant is likely to be tolerated, but these predictions have not been confirmed by published functional studies and their clinical significance is uncertain. In summary, the available evidence is currently insufficient to determine the role of this variant in disease. Therefore, it has been classified as a Variant of Uncertain Significance.

NM_020937.4(FANCM):c.4429C>A (p.Pro1477Thr)

Gene: FANCM (FA complementation group M; plus strand). Cytogenetic location: 14q21.2.
Variant type: single nucleotide variant.
Coding change: c.4429C>A on transcript NM_020937.4 (MANE Select); coding-DNA position 4429, C replaced by A.
Protein change: p.Pro1477Thr; replaces proline 1477 with threonine.
Molecular consequence: missense variant.
Genome position (GRCh38, 1-based): chr14:45,183,816, C>A. VCF-style: chr14-45183816-C-A. GRCh37 (hg19) VCF-style: chr14-45653019-C-A.
Other names: c.4351C>A, p.Pro1451Thr (NM_001308133.2); short protein forms P1451T, P1477T.
Identifiers: ClinVar variation 1365956 (VCV001365956.8), dbSNP rs1373913163, ClinGen allele CA389607620.